The following is an entry in ClinVar:

NM_000216.4(ANOS1):c.1462A>G (p.Ile488Val)

Gene: ANOS1 (anosmin 1; minus strand). Cytogenetic location: Xp22.31.
Variant type: single nucleotide variant.
Coding change: c.1462A>G on transcript NM_000216.4 (MANE Select); coding-DNA position 1462, A replaced by G.
Protein change: p.Ile488Val; replaces isoleucine 488 with valine.
Molecular consequence: missense variant.
Genome position (GRCh38, 1-based): chrX:8,536,930, T>C on the plus strand (A>G on the coding strand, the complement: ANOS1 is on the minus strand). VCF-style: chrX-8536930-T-C. GRCh37 (hg19) VCF-style: chrX-8504971-T-C.
Other names: short protein forms I488V.
Identifiers: ClinVar variation 4882411 (VCV004882411.2).

ClinVar aggregate classification (germline): Uncertain significance (1 of 4 stars; one submission).

gnomAD v4.1: 3 of 1,202,032 alleles (0.00025%); highest among the groups gnomAD compares: Non-Finnish European, 0.00034%; no homozygotes.

Submission:

Dasa
Classification: Uncertain significance. Last evaluated: 2026-04-16. Review status: criteria provided, single submitter. Criteria: DASA Assertion Criteria. Collection method: clinical testing. Allele origin: germline.
Comment: NM_000216.4(ANOS1):c.1462A>G (p.Ile488Val) is a missense variant that results in the substitution of isoleucine with valine. This variant is rare in population databases. Computational prediction algorithms are consistent with a benign effect. The currently available literature and clinical evidence are not sufficient to establish a definitive association between this variant and the reported condition. Therefore, this variant is classified as a variant of uncertain significance.